The following is an entry in ClinVar:

NM_001267550.2(TTN):c.84649T>C (p.Ser28217Pro)

Genes: TTN (titin; minus strand), TTN-AS1 (TTN antisense RNA 1; plus strand). Cytogenetic location: 2q31.2.
Variant type: single nucleotide variant.
Coding change: c.84649T>C on transcript NM_001267550.2 (MANE Select); coding-DNA position 84649, T replaced by C.
Protein change: p.Ser28217Pro; replaces serine 28217 with proline.
Molecular consequence: missense variant.
Genome position (GRCh38, 1-based): chr2:178,561,483, A>G on the plus strand (T>C on the coding strand, the complement: TTN is on the minus strand). VCF-style: chr2-178561483-A-G. GRCh37 (hg19) VCF-style: chr2-179426210-A-G.
Other names: c.79726T>C, p.Ser26576Pro (NM_001256850.1); c.57454T>C, p.Ser19152Pro (NM_003319.4); c.76945T>C, p.Ser25649Pro (NM_133378.4); c.57829T>C, p.Ser19277Pro (NM_133432.3); c.58030T>C, p.Ser19344Pro (NM_133437.4); short protein forms S19152P, S19277P, S19344P, S25649P, S26576P, S28217P.
Identifiers: ClinVar variation 1216488 (VCV001216488.4), dbSNP rs1271151421, ClinGen allele CA349558783.

ClinVar aggregate classification (germline): Conflicting classifications of pathogenicity. Review status: criteria provided, conflicting classifications (1 of 4 stars). 2 submissions from 2 submitters: Uncertain significance (1); Likely benign (1). Last evaluated 2026-04-16.

Conditions:
TTN-related disorder. Also called: TTN-related condition; TTN-related disease; TTN-related disorders.

Allele frequency attached by ClinVar (database versions not stated): gnomAD exomes 0.00001 and 0.00002; gnomAD 0.00003 and 0.00004; TOPMed 0.00003.
gnomAD v4.1: 14 of 1,613,660 alleles (0.00087%); highest among the groups gnomAD compares: African/African-American, 0.017%; no homozygotes.

Submissions (2):

PreventionGenetics, part of Exact Sciences
Classification: Uncertain significance for TTN-related condition. Last evaluated: 2026-04-16. Review status: criteria provided, single submitter. Criteria: ACMG Guidelines, 2015. Collection method: clinical testing. Allele origin: germline.
Comment: The TTN c.84649T>C variant is predicted to result in the amino acid substitution p.Ser28217Pro. To our knowledge, this variant has not been reported in the literature. This variant is reported in 0.033% of alleles in individuals of African descent in gnomAD. At this time, the clinical significance of this variant is uncertain due to the absence of conclusive functional and genetic evidence.

GeneDx
Classification: Likely benign. Last evaluated: 2020-11-24. Review status: criteria provided, single submitter. Criteria: GeneDx Variant Classification Process June 2021. Collection method: clinical testing. Allele origin: germline. Affected: yes.